The following is an entry in ClinVar:

NM_003803.4(MYOM1):c.4870G>A (p.Glu1624Lys)

Gene: MYOM1 (myomesin 1; minus strand). Cytogenetic location: 18p11.31.
Variant type: single nucleotide variant.
Coding change: c.4870G>A on transcript NM_003803.4 (MANE Select); coding-DNA position 4870, G replaced by A.
Protein change: p.Glu1624Lys; replaces glutamic acid 1624 with lysine.
Molecular consequence: missense variant.
Genome position (GRCh38, 1-based): chr18:3,067,450, C>T on the plus strand (G>A on the coding strand, the complement: MYOM1 is on the minus strand). VCF-style: chr18-3067450-C-T. GRCh37 (hg19) VCF-style: chr18-3067448-C-T.
Other names: c.4582G>A, p.Glu1528Lys (NM_019856.2); short protein forms E1528K, E1624K.
Identifiers: ClinVar variation 1743718 (VCV001743718.3), dbSNP rs753281692, ClinGen allele CA8873742.

ClinVar aggregate classification (germline): Uncertain significance (1 of 4 stars; one submission).

Allele frequency attached by ClinVar (database versions not stated): TOPMed below 0.00001; gnomAD 0.00001; ExAC 0.00002; gnomAD exomes 0.00001.
gnomAD v4.1: 14 of 1,613,646 alleles (0.00087%); highest among the groups gnomAD compares: South Asian, 0.0055%; no homozygotes.

Submission:

Ambry Genetics
Classification: Uncertain significance. Last evaluated: 2025-03-23. Review status: criteria provided, single submitter. Criteria: Ambry Variant Classification Scheme 2023. Collection method: clinical testing. Allele origin: germline.
Comment: The p.E1624K variant (also known as c.4870G>A), located in coding exon 37 of the MYOM1 gene, results from a G to A substitution at nucleotide position 4870. The glutamic acid at codon 1624 is replaced by lysine, an amino acid with similar properties. This amino acid position is conserved. In addition, the in silico prediction for this alteration is inconclusive. Since supporting evidence is limited at this time, the clinical significance of this alteration remains unclear.